The following is an entry in ClinVar:

ClinVar aggregate classification (germline): Likely pathogenic. Review status: criteria provided, multiple submitters, no conflicts (2 of 4 stars). 2 submissions from 2 submitters: Likely pathogenic (2). Last evaluated 2021-06-29.

Conditions:
CENPF-related disorder. Also called: CENPF-related condition.

Submissions (2):

Blueprint Genetics
Classification: Likely pathogenic for CENPF-related disorders. Last evaluated: 2021-06-29. Review status: criteria provided, single submitter. Criteria: ACMG Guidelines, 2015. Collection method: clinical testing. Allele origin: germline. Affected: yes. Observed: 1 variant allele.

GeneDx
Classification: Likely pathogenic. Last evaluated: 2019-02-22. Review status: criteria provided, single submitter. Criteria: GeneDx Variant Classification (06012015). Collection method: clinical testing. Allele origin: germline. Affected: yes.
Comment: The E361X variant in the CENPF gene has not been reported previously as a pathogenic variant nor as a benign variant, to our knowledge. This variant is predicted to cause loss of normal protein function either through protein truncation or nonsense-mediated mRNA decay. The E361X variant is not observed in large population cohorts (Lek et al., 2016). We interpret E361X as a likely pathogenic variant.

NM_016343.4(CENPF):c.1081G>T (p.Glu361Ter)

Gene: CENPF (centromere protein F; plus strand). Cytogenetic location: 1q41.
Variant type: single nucleotide variant.
Coding change: c.1081G>T on transcript NM_016343.4 (MANE Select); coding-DNA position 1081, G replaced by T.
Protein change: p.Glu361Ter; replaces glutamic acid 361 with a stop codon.
Molecular consequence: nonsense.
Genome position (GRCh38, 1-based): chr1:214,629,058, G>T. VCF-style: chr1-214629058-G-T. GRCh37 (hg19) VCF-style: chr1-214802401-G-T.
Other names: short protein forms E361*.
Identifiers: ClinVar variation 816971 (VCV000816971.2), dbSNP rs1571706279, ClinGen allele CA344836115.
Genomic context (GRCh38, chr1:214,629,058, plus strand): 5'-TATGTGAGTAATATTTATTTTGTCTTGAACATTTTTATTCATTATTAGTATACTGCATTG[G>T]AACAAAAACTGAAAAAATTGACGGAAGATTTGAGTTGTCAGCGACAAAATGCAGAAAGTG-3'